The following is an entry in ClinVar:

NM_198576.4(AGRN):c.4503C>G (p.Asp1501Glu)

Gene: AGRN (agrin; plus strand). Cytogenetic location: 1p36.33.
Variant type: single nucleotide variant.
Coding change: c.4503C>G on transcript NM_198576.4 (MANE Select); coding-DNA position 4503, C replaced by G.
Protein change: p.Asp1501Glu; replaces aspartic acid 1501 with glutamic acid.
Molecular consequence: missense variant.
Genome position (GRCh38, 1-based): chr1:1,049,440, C>G. VCF-style: chr1-1049440-C-G. GRCh37 (hg19) VCF-style: chr1-984820-C-G.
Other names: c.4503C>G, p.Asp1501Glu (NM_001305275.2); c.4188C>G, p.Asp1396Glu (NM_001364727.2); short protein forms D1501E, D1396E.
Identifiers: ClinVar variation 582496 (VCV000582496.9), dbSNP rs770460630, ClinGen allele CA509480.

ClinVar aggregate classification (germline): Uncertain significance. Review status: criteria provided, multiple submitters, no conflicts (2 of 4 stars). 2 submissions from 2 submitters: Uncertain significance (2). Last evaluated 2022-08-03.

Conditions:
Congenital myasthenic syndrome 8. Also called: MYASTHENIC SYNDROME, CONGENITAL, DUE TO AGRIN DEFICIENCY; Myasthenic syndrome, congenital, 8, with pre- and postsynaptic defects. Identifiers: Orphanet 590, MedGen C3808739, MONDO:0014052, OMIM 615120.

Allele frequency attached by ClinVar (database versions not stated): ExAC 0.00001; gnomAD 0.00001; gnomAD exomes 0.00001 and 0.00002; TOPMed 0.00001.
gnomAD v4.1: 29 of 1,599,548 alleles (0.0018%); highest among the groups gnomAD compares: Non-Finnish European, 0.0024%; no homozygotes.

Submissions (2):

Revvity Omics, Revvity
Classification: Uncertain significance for Congenital myasthenic syndrome 8. Last evaluated: 2022-08-03. Review status: criteria provided, single submitter. Criteria: ACMG Guidelines, 2015. Collection method: clinical testing. Allele origin: germline.

Labcorp Genetics (formerly Invitae), Labcorp
Classification: Uncertain significance for Congenital myasthenic syndrome 8. Last evaluated: 2022-06-20. Review status: criteria provided, single submitter. Criteria: Invitae Variant Classification Sherloc (09022015). Collection method: clinical testing. Allele origin: germline.
Comment: In summary, the available evidence is currently insufficient to determine the role of this variant in disease. Therefore, it has been classified as a Variant of Uncertain Significance. This sequence change replaces aspartic acid, which is acidic and polar, with glutamic acid, which is acidic and polar, at codon 1501 of the AGRN protein (p.Asp1501Glu). This variant is present in population databases (rs770460630, gnomAD 0.002%). This variant has not been reported in the literature in individuals affected with AGRN-related conditions. ClinVar contains an entry for this variant (Variation ID: 582496). Algorithms developed to predict the effect of missense changes on protein structure and function output the following: SIFT: "Tolerated"; PolyPhen-2: "Benign"; Align-GVGD: "Class C0". The glutamic acid amino acid residue is found in multiple mammalian species, which suggests that this missense change does not adversely affect protein function.